The following is an entry in ClinVar:

ClinVar aggregate classification (germline): Uncertain significance (1 of 4 stars; one submission).

Conditions:
Neurodevelopmental disorder with microcephaly, impaired language, and gait abnormalities. Identifiers: MedGen C5436783, MONDO:0100348, OMIM 619091.

Submission:

Neuberg Centre For Genomic Medicine, NCGM
Classification: Uncertain significance for Neurodevelopmental disorder with microcephaly, impaired language, and gait abnormalities. Last evaluated: 2024-02-01. Review status: criteria provided, single submitter. Criteria: ACMG Guidelines, 2015. Collection method: clinical testing. Allele origin: germline. Inheritance: Autosomal recessive inheritance.
Comment: This variant in NARS1 gene has not been reported previously as a pathogenic variant nor as a benign variant, to our knowledge.

NM_004539.4(NARS1):c.1423G>A (p.Gly475Ser)

Gene: NARS1 (asparaginyl-tRNA synthetase 1; minus strand). Cytogenetic location: 18q21.31.
Variant type: single nucleotide variant.
Coding change: c.1423G>A on transcript NM_004539.4 (MANE Select); coding-DNA position 1423, G replaced by A.
Protein change: p.Gly475Ser; replaces glycine 475 with serine.
Molecular consequence: missense variant.
Genome position (GRCh38, 1-based): chr18:57,602,447, C>T on the plus strand (G>A on the coding strand, the complement: NARS1 is on the minus strand). VCF-style: chr18-57602447-C-T. GRCh37 (hg19) VCF-style: chr18-55269679-C-T.
Other names: short protein forms G475S.
Identifiers: ClinVar variation 3897948 (VCV003897948.2).
Genomic context (GRCh38, chr18:57,602,447, plus strand): 5'-CAATCCCTTCCCTTTTATAACCTGCCAGTATTTCTTCACTATCAAAGATACGCATTGAGC[C>T]TCCCACAATCTCACCAACATTGGGCATCAACACGTCGACCTTTAAATATAAGTGAAAGAA-3'
Protein context (NP_004530.1, residues 465-485): LMPNVGEIVG[Gly475Ser]SMRIFDSEEI